The following is an entry in ClinVar:

NM_014363.6(SACS):c.2585C>T (p.Pro862Leu)

Gene: SACS (sacsin molecular chaperone; minus strand). Cytogenetic location: 13q12.12.
Variant type: single nucleotide variant.
Coding change: c.2585C>T on transcript NM_014363.6 (MANE Select); coding-DNA position 2585, C replaced by T.
Protein change: p.Pro862Leu; replaces proline 862 with leucine.
Molecular consequence: missense variant.
Genome position (GRCh38, 1-based): chr13:23,341,291, G>A on the plus strand (C>T on the coding strand, the complement: SACS is on the minus strand). VCF-style: chr13-23341291-G-A. GRCh37 (hg19) VCF-style: chr13-23915430-G-A.
Other names: p.Pro862Leu; c.2144C>T, p.Pro715Leu (NM_001278055.2); short protein forms P715L, P862L.
Identifiers: ClinVar variation 994936 (VCV000994936.10), dbSNP rs776290829, ClinGen allele CA6911663.

ClinVar aggregate classification (germline): Conflicting classifications of pathogenicity. Review status: criteria provided, conflicting classifications (1 of 4 stars). 7 submissions from 7 submitters: Uncertain significance (5); Likely benign (1). 1 of the submissions does not count toward it. Last evaluated 2025-08-22.

Conditions:
Spastic paraplegia. Identifiers: MedGen C0037772, HP:0001258.
Charlevoix-Saguenay spastic ataxia (SACS). Also called: SPASTIC ATAXIA 6, AUTOSOMAL RECESSIVE; AUTOSOMAL RECESSIVE SPASTIC ATAXIA OF CHARLEVOIX-SAGUENAY; Spastic ataxia of Charlevoix-Saguenay. Identifiers: Orphanet 98, MedGen C1849140, MONDO:0010041, OMIM 270550.
Inborn genetic diseases. Identifiers: MedGen C0950123, MeSH D030342.

Allele frequency attached by ClinVar (database versions not stated): gnomAD exomes 0.00006; TOPMed 0.00006; gnomAD 0.00001 and 0.00002; ExAC 0.00003.
gnomAD v4.1: 98 of 1,613,336 alleles (0.0061%); highest among the groups gnomAD compares: South Asian, 0.012%; no homozygotes.

Submissions (7):

Athena Diagnostics
Classification: Uncertain significance. Last evaluated: 2025-08-22. Review status: criteria provided, single submitter. Criteria: Athena Diagnostics Criteria. Collection method: clinical testing. Allele origin: unknown.
Comment: Available data are insufficient to determine the clinical significance of the variant at this time. The frequency of this variant in the general population is uninformative in assessment of its pathogenicity. Polyphen and MutationTaster yielded discordant predictions regarding whether this amino acid change is damaging to the protein.

Mayo Clinic Laboratories, Mayo Clinic
Classification: Uncertain significance. Last evaluated: 2025-07-30. Review status: criteria provided, single submitter. Criteria: ACMG Guidelines, 2015. Collection method: clinical testing. Allele origin: germline. Observed: 2 variant alleles.

Labcorp Genetics (formerly Invitae), Labcorp
Classification: Likely benign for Spastic paraplegia. Last evaluated: 2025-07-23. Review status: criteria provided, single submitter. Criteria: Invitae Variant Classification Sherloc (09022015). Collection method: clinical testing. Allele origin: germline.

Department of Pathology and Laboratory Medicine, Sinai Health System
Classification: Uncertain significance for Charlevoix-Saguenay spastic ataxia. Last evaluated: 2022-03-30. Review status: criteria provided, single submitter. Criteria: ACMG Guidelines, 2015. Collection method: research. Allele origin: germline.

Fulgent Genetics
Classification: Uncertain significance for Charlevoix-Saguenay spastic ataxia. Last evaluated: 2021-11-17. Review status: criteria provided, single submitter. Criteria: ACMG Guidelines, 2015. Collection method: clinical testing. Allele origin: unknown.

Ambry Genetics
Classification: Uncertain significance for Inborn genetic diseases. Last evaluated: 2021-06-29. Review status: criteria provided, single submitter. Criteria: Ambry Variant Classification Scheme 2023. Collection method: clinical testing. Allele origin: germline.

Natera, Inc.
Classification: Uncertain significance for Charlevoix-Saguenay type spastic ataxia. Last evaluated: 2020-02-04. Review status: no assertion criteria provided. Collection method: clinical testing. Allele origin: germline. Not counted in ClinVar's aggregate classification.